The following is an entry in ClinVar:

ClinVar aggregate classification (germline): Likely pathogenic (1 of 4 stars; one submission).

Allele frequency attached by ClinVar (database versions not stated): gnomAD exomes below 0.00001; ExAC 0.00001.

Submission:

Labcorp Genetics (formerly Invitae), Labcorp
Classification: Likely pathogenic. Last evaluated: 2021-11-30. Review status: criteria provided, single submitter. Criteria: Invitae Variant Classification Sherloc (09022015). Collection method: clinical testing. Allele origin: germline.
Comment: In summary, the currently available evidence indicates that the variant is pathogenic, but additional data are needed to prove that conclusively. Therefore, this variant has been classified as Likely Pathogenic. Algorithms developed to predict the effect of sequence changes on RNA splicing suggest that this variant may disrupt the consensus splice site. This sequence change affects an acceptor splice site in intron 7 of the SLC34A3 gene. It is expected to disrupt RNA splicing. Variants that disrupt the donor or acceptor splice site typically lead to a loss of protein function (PMID: 16199547), and loss-of-function variants in SLC34A3 are known to be pathogenic (PMID: 16358214, 16358215, 22159077). Disruption of this splice site has been observed in individual(s) with hereditary hypophosphatemic rickets with hypercalciuria (PMID: 26543054). This variant is present in population databases (rs760326604, gnomAD 0.006%).

Literature cited by the submitters: PubMed 16199547; PubMed 16358214; PubMed 16358215; PubMed 22159077; PubMed 26543054.

NM_001177316.2(SLC34A3):c.757-1G>A

Gene: SLC34A3 (solute carrier family 34 member 3; plus strand). Cytogenetic location: 9q34.3.
Variant type: single nucleotide variant.
Coding change: c.757-1G>A on transcript NM_001177316.2 (MANE Select); the canonical splice acceptor site of the intron before coding-DNA position 757, G replaced by A.
Molecular consequence: splice acceptor variant.
Genome position (GRCh38, 1-based): chr9:137,233,632, G>A. VCF-style: chr9-137233632-G-A. GRCh37 (hg19) VCF-style: chr9-140128084-G-A.
Other names: c.757-1G>A (NM_001177317.2, NM_080877.3).
Identifiers: ClinVar variation 1484669 (VCV001484669.6), dbSNP rs760326604, ClinGen allele CA5364586.
Genomic context (GRCh38, chr9:137,233,632, plus strand): 5'-GAGCCCCGGGTGAGTCCTGAGAGAGGGTGCAGCACACCGTCACGACCCCTCTGGCCCCCA[G>A]TTGGACTCCGACATGATCATGAGCAGTGCCACAGGCAACGCCACTAACAGCAGTCTCATT-3'